The following is an entry in ClinVar:

ClinVar aggregate classification (germline): Likely pathogenic (1 of 4 stars; one submission).

Conditions:
LAMA2-related muscular dystrophy (LAMA2-RD). Also called: Laminin alpha 2-related dystrophy. Identifiers: MedGen C5679788, MONDO:0100228.

Submission:

Myriad Genetics, Inc.
Classification: Likely pathogenic for LAMA2-related muscular dystrophy. Last evaluated: 2022-01-31. Review status: criteria provided, single submitter. Criteria: Myriad Autosomal Dominant, Autosomal Recessive and X-Linked Classification Criteria (2023). Collection method: clinical testing. Allele origin: unknown.
Comment: NM_000426.3(LAMA2):c.3290_3291delAC(H1097Lfs*10) is expected to be pathogenic in the context of muscular dystrophy, LAMA2-related. This variant is predicted to lead to an abnormal or absent protein product due to the creation of a premature termination codon in LAMA2, a gene where loss-of-function variants are known to be pathogenic. Please note: this variant was assessed in the context of healthy population screening.

NM_000426.4(LAMA2):c.3290_3291del (p.His1097fs)

Gene: LAMA2 (laminin subunit alpha 2; plus strand). Cytogenetic location: 6q22.33.
Variant type: Deletion.
Coding change: c.3290_3291del on transcript NM_000426.4 (MANE Select); coding-DNA positions 3290 to 3291, 2 bases deleted (AC; older notation c.3290_3291delAC).
Protein change: p.His1097fs; shifts the reading frame from histidine 1097.
Molecular consequence: frameshift variant.
Genome position (GRCh38, 1-based): chr6:129,312,976-129,312,977, AC deleted; deleting any 2 consecutive bases within chr6:129,312,975-129,312,977 gives the same sequence; the c. name uses the placement nearest the transcript's 3' end. VCF-style (leftmost placement, unchanged base first): chr6-129312974-TCA-T. GRCh37 (hg19) VCF-style: chr6-129634119-TCA-T.
Other names: c.3290_3291del, p.His1097fs (NM_001079823.2); short protein forms H1097fs.
Identifiers: ClinVar variation 1724182 (VCV001724182.3), dbSNP rs2482399673, ClinGen allele CA2580074937.